The following is an entry in ClinVar:

ClinVar aggregate classification (germline): Uncertain significance (1 of 4 stars; one submission).

Conditions:
Neurofibromatosis, type 1 (NF1). Also called: Peripheral type neurofibromatosis; VON RECKLINGHAUSEN DISEASE; Neurofibromatosis, type I; NEUROFIBROMATOSIS, TYPE I, SOMATIC. Identifiers: Orphanet 636, MedGen C0027831, MONDO:0018975, OMIM 162200. Disease mechanism: loss of function.

Submission:

Labcorp Genetics (formerly Invitae), Labcorp
Classification: Uncertain significance for Neurofibromatosis, type 1. Last evaluated: 2023-06-09. Review status: criteria provided, single submitter. Criteria: Invitae Variant Classification Sherloc (09022015). Collection method: clinical testing. Allele origin: germline.
Comment: This sequence change replaces glycine, which is neutral and non-polar, with alanine, which is neutral and non-polar, at codon 922 of the NF1 protein (p.Gly922Ala). This variant is not present in population databases (gnomAD no frequency). This variant has not been reported in the literature in individuals affected with NF1-related conditions. Advanced modeling of protein sequence and biophysical properties (such as structural, functional, and spatial information, amino acid conservation, physicochemical variation, residue mobility, and thermodynamic stability) performed at Invitae indicates that this missense variant is expected to disrupt NF1 protein function. This variant disrupts the p.Gly922 amino acid residue in NF1. Other variant(s) that disrupt this residue have been determined to be pathogenic (PMID: 10607834, 28961165). This suggests that this residue is clinically significant, and that variants that disrupt this residue are likely to be disease-causing. In summary, the available evidence is currently insufficient to determine the role of this variant in disease. Therefore, it has been classified as a Variant of Uncertain Significance.

Literature cited by the submitters: PubMed 10607834; PubMed 28961165.

NM_001042492.3(NF1):c.2765G>C (p.Gly922Ala)

Gene: NF1 (neurofibromin 1; plus strand). Cytogenetic location: 17q11.2.
Variant type: single nucleotide variant.
Coding change: c.2765G>C on transcript NM_001042492.3 (MANE Select); coding-DNA position 2765, G replaced by C.
Protein change: p.Gly922Ala; replaces glycine 922 with alanine.
Molecular consequence: missense variant.
Genome position (GRCh38, 1-based): chr17:31,229,380, G>C. VCF-style: chr17-31229380-G-C. GRCh37 (hg19) VCF-style: chr17-29556398-G-C.
Other names: c.2765G>C, p.Gly922Ala (NM_000267.4); short protein forms G922A.
Identifiers: ClinVar variation 2699538 (VCV002699538.3), dbSNP rs1378141985, ClinGen allele CA398985452.